The following is an entry in ClinVar:

NM_003136.4(SRP54):c.1138G>A (p.Asp380Asn)

Gene: SRP54 (signal recognition particle 54; plus strand). Cytogenetic location: 14q13.2.
Variant type: single nucleotide variant.
Coding change: c.1138G>A on transcript NM_003136.4 (MANE Select); coding-DNA position 1138, G replaced by A.
Protein change: p.Asp380Asn; replaces aspartic acid 380 with asparagine.
Molecular consequence: missense variant.
Genome position (GRCh38, 1-based): chr14:35,019,056, G>A. VCF-style: chr14-35019056-G-A. GRCh37 (hg19) VCF-style: chr14-35488262-G-A.
Other names: c.991G>A, p.Asp331Asn (NM_001146282.2); c.1138G>A, p.Asp380Asn (NM_001411017.1, NM_001440813.1); short protein forms D380N, D331N.
Identifiers: ClinVar variation 4777050 (VCV004777050.1).

ClinVar aggregate classification (germline): Uncertain significance (1 of 4 stars; one submission).

Submission:

Labcorp Genetics (formerly Invitae), Labcorp
Classification: Uncertain significance. Last evaluated: 2025-02-08. Review status: criteria provided, single submitter. Criteria: Invitae Variant Classification Sherloc (09022015). Collection method: clinical testing. Allele origin: germline.
Comment: This sequence change replaces aspartic acid, which is acidic and polar, with asparagine, which is neutral and polar, at codon 380 of the SRP54 protein (p.Asp380Asn). This variant is not present in population databases (gnomAD no frequency). This variant has not been reported in the literature in individuals affected with SRP54-related conditions. Invitae Evidence Modeling of protein sequence and biophysical properties (such as structural, functional, and spatial information, amino acid conservation, physicochemical variation, residue mobility, and thermodynamic stability) indicates that this missense variant is not expected to disrupt SRP54 protein function with a negative predictive value of 80%. In summary, the available evidence is currently insufficient to determine the role of this variant in disease. Therefore, it has been classified as a Variant of Uncertain Significance.